The following is an entry in ClinVar:

ClinVar aggregate classification (germline): Uncertain significance (1 of 4 stars; one submission).

Conditions:
Cardiovascular phenotype. Identifiers: MedGen CN230736.

Submission:

Ambry Genetics
Classification: Uncertain significance for Cardiovascular phenotype. Last evaluated: 2025-08-03. Review status: criteria provided, single submitter. Criteria: Ambry Variant Classification Scheme 2023. Collection method: clinical testing. Allele origin: germline.
Comment: The p.R2132T variant (also known as c.6395G>C), located in coding exon 17 of the TNXB gene, results from a G to C substitution at nucleotide position 6395. The arginine at codon 2132 is replaced by threonine, an amino acid with similar properties. This amino acid position is conserved. In addition, this alteration is predicted to be tolerated by in silico analysis. Based on the available evidence, the clinical significance of this variant remains unclear.

NM_001365276.2(TNXB):c.6395G>C (p.Arg2132Thr)

Gene: TNXB (tenascin XB; minus strand). Cytogenetic location: 6p21.33.
Variant type: single nucleotide variant.
Coding change: c.6395G>C on transcript NM_001365276.2 (MANE Select); coding-DNA position 6395, G replaced by C.
Protein change: p.Arg2132Thr; replaces arginine 2132 with threonine.
Molecular consequence: missense variant.
Genome position (GRCh38, 1-based): chr6:32,067,810, C>G on the plus strand (G>C on the coding strand, the complement: TNXB is on the minus strand). VCF-style: chr6-32067810-C-G. GRCh37 (hg19) VCF-style: chr6-32035587-C-G.
Other names: c.7136G>C, p.Arg2379Thr (NM_001428335.1); c.6395G>C, p.Arg2132Thr (NM_019105.8); short protein forms R2132T, R2379T.
Identifiers: ClinVar variation 4188708 (VCV004188708.1).